The following is an entry in ClinVar:

ClinVar aggregate classification (germline): Uncertain significance. Review status: criteria provided, multiple submitters, no conflicts (2 of 4 stars). 2 submissions from 2 submitters: Uncertain significance (2). Last evaluated 2025-12-08.

Conditions:
Epilepsy, idiopathic generalized, susceptibility to, 11 (EIG11). Identifiers: Orphanet 307, MedGen C2750893, MONDO:0011875, OMIM 607628.

Allele frequency attached by ClinVar (database versions not stated): gnomAD exomes below 0.00001.
gnomAD v4.1: 1 of 1,581,562 alleles (0.000063%); highest among the groups gnomAD compares: African/African-American, 0.0013%; no homozygotes.

Submissions (2):

Labcorp Genetics (formerly Invitae), Labcorp
Classification: Uncertain significance. Last evaluated: 2025-12-08. Review status: criteria provided, single submitter. Criteria: Invitae Variant Classification Sherloc (09022015). Collection method: clinical testing. Allele origin: germline.
Comment: This sequence change replaces isoleucine, which is neutral and non-polar, with threonine, which is neutral and polar, at codon 112 of the CLCN2 protein (p.Ile112Thr). This variant is not present in population databases (gnomAD no frequency). This variant has not been reported in the literature in individuals affected with CLCN2-related conditions. ClinVar contains an entry for this variant (Variation ID: 1718224). Invitae Evidence Modeling of protein sequence and biophysical properties (such as structural, functional, and spatial information, amino acid conservation, physicochemical variation, residue mobility, and thermodynamic stability) indicates that this missense variant is expected to disrupt CLCN2 protein function with a positive predictive value of 80%. In summary, the available evidence is currently insufficient to determine the role of this variant in disease. Therefore, it has been classified as a Variant of Uncertain Significance.

Neuberg Centre For Genomic Medicine, NCGM
Classification: Uncertain significance for Epilepsy, idiopathic generalized, susceptibility to, 11. Review status: criteria provided, single submitter. Criteria: ACMG Guidelines, 2015. Collection method: clinical testing. Allele origin: germline. Affected: yes.
Comment: The missense variant c.335T>C (p.Ile112Thr) in CLCN2 gene has not been reported previously as a pathogenic variant nor as a benign variant, to our knowledge. The p.Ile112Thr variant is novel (not in any individuals) in gnomAD Exomes and 1000 Genomes. The amino acid Ile at position 112 is changed to a Thr changing protein sequence and it might alter its composition and physico-chemical properties. The variant is predicted to be damaging by both SIFT and PolyPhen2. The residue is conserved across species. The amino acid change p.Ile112Thr in CLCN2 is predicted as conserved by GERP++ and PhyloP across 100 vertebrates. For these reasons, this variant has been classified as Uncertain Significance.

NM_004366.6(CLCN2):c.335T>C (p.Ile112Thr)

Gene: CLCN2 (chloride voltage-gated channel 2; minus strand). Cytogenetic location: 3q27.1.
Variant type: single nucleotide variant.
Coding change: c.335T>C on transcript NM_004366.6 (MANE Select); coding-DNA position 335, T replaced by C.
Protein change: p.Ile112Thr; replaces isoleucine 112 with threonine.
Molecular consequence: missense variant. On other transcripts: intron variant (1).
Genome position (GRCh38, 1-based): chr3:184,358,699, A>G on the plus strand (T>C on the coding strand, the complement: CLCN2 is on the minus strand). VCF-style: chr3-184358699-A-G. GRCh37 (hg19) VCF-style: chr3-184076487-A-G.
Other names: c.335T>C, p.Ile112Thr (NM_001171087.3, NM_001171089.3); c.220+276T>C (NM_001171088.3); short protein forms I112T.
Identifiers: ClinVar variation 1718224 (VCV001718224.6), dbSNP rs2474261425, ClinGen allele CA355457402.
Genomic context (GRCh38, chr3:184,358,699, plus strand): 5'-GAGGTTTATTCCCAGTCCTCCCCCTGCCAGCTGTCACCCTCACCTTGCAGACAGGCAGCA[A>G]TGGCATAGTCCATGACCCAGCTGACCAATGCCATGAGAAGCCCCAGCAGGACCAGGAAGA-3'
Protein context (NP_004357.3, residues 102-122): ALVSWVMDYA[Ile112Thr]AACLQAQQWM